The following is an entry in ClinVar:

ClinVar aggregate classification (germline): Uncertain significance (1 of 4 stars; one submission).

Submission:

GeneDx
Classification: Uncertain significance. Last evaluated: 2024-10-18. Review status: criteria provided, single submitter. Criteria: GeneDx Variant Classification Process June 2021. Collection method: clinical testing. Allele origin: germline. Affected: yes.
Comment: Not observed at significant frequency in large population cohorts (gnomAD); In silico analysis indicates that this missense variant does not alter protein structure/function; Has not been previously published as pathogenic or benign to our knowledge

NM_018133.4(MSL2):c.1262C>G (p.Ser421Cys)

Gene: MSL2 (MSL complex subunit 2; minus strand). Cytogenetic location: 3q22.3.
Variant type: single nucleotide variant.
Coding change: c.1262C>G on transcript NM_018133.4 (MANE Select); coding-DNA position 1262, C replaced by G.
Protein change: p.Ser421Cys; replaces serine 421 with cysteine.
Molecular consequence: missense variant.
Genome position (GRCh38, 1-based): chr3:136,151,619, G>C on the plus strand (C>G on the coding strand, the complement: MSL2 is on the minus strand). VCF-style: chr3-136151619-G-C. GRCh37 (hg19) VCF-style: chr3-135870461-G-C.
Other names: c.1040C>G, p.Ser347Cys (NM_001145417.2); short protein forms S421C, S347C.
Identifiers: ClinVar variation 3781284 (VCV003781284.1).